The following is an entry in ClinVar:

ClinVar aggregate classification (germline): Likely benign (1 of 4 stars; one submission).

Submission:

CeGaT Center for Human Genetics Tuebingen
Classification: Likely benign. Last evaluated: 2022-10-01. Review status: criteria provided, single submitter. Criteria: CeGaT Center For Human Genetics Tuebingen Variant Classification Criteria Version 2. Collection method: clinical testing. Allele origin: germline. Affected: yes. Observed: 1 variant allele.
Comment: LILRB2: PM2:Supporting, BP4, BP7, BS2

NM_001080978.4(LILRB2):c.1524G>A (p.Gly508=)

Gene: LILRB2 (leukocyte immunoglobulin like receptor B2; minus strand). Cytogenetic location: 19q13.42.
Variant type: single nucleotide variant.
Coding change: c.1524G>A on transcript NM_001080978.4 (MANE Select); coding-DNA position 1524, G replaced by A.
Protein change: p.Gly508=; no amino-acid change (glycine 508 retained).
Molecular consequence: synonymous variant. On other transcripts: non-coding transcript variant (1), intron variant (1).
Genome position (GRCh38, 1-based): chr19:54,276,413, C>T on the plus strand (G>A on the coding strand, the complement: LILRB2 is on the minus strand). VCF-style: chr19-54276413-C-T. GRCh37 (hg19) VCF-style: chr19-54780267-C-T.
Other names: c.1524G>A, p.Gly508= (NM_001278403.3); c.1179G>A, p.Gly393= (NM_001278404.3); c.1527G>A, p.Gly509= (NM_005874.5); c.1484-112G>A (NM_001278405.2).
Identifiers: ClinVar variation 2650438 (VCV002650438.24), dbSNP rs2080229671, ClinGen allele CA2695201367.